The following is an entry in ClinVar:

ClinVar aggregate classification (germline): Likely benign. Review status: criteria provided, multiple submitters, no conflicts (2 of 4 stars). 2 submissions from 2 submitters: Likely benign (2). Last evaluated 2024-11-22.

Allele frequency attached by ClinVar (database versions not stated): gnomAD 0.00005; TOPMed 0.00005; gnomAD exomes 0.00006; ExAC 0.00007; ESP Exome Variant Server 0.00008.
gnomAD v4.1: 99 of 1,614,052 alleles (0.0061%); highest among the groups gnomAD compares: Non-Finnish European, 0.0082%; no homozygotes.

Submissions (2):

Blueprint Genetics
Classification: Likely benign. Last evaluated: 2024-11-22. Review status: criteria provided, single submitter. Criteria: ACMG Guidelines, 2015. Collection method: clinical testing. Allele origin: germline.

CeGaT Center for Human Genetics Tuebingen
Classification: Likely benign. Last evaluated: 2023-04-01. Review status: criteria provided, single submitter. Criteria: CeGaT Center For Human Genetics Tuebingen Variant Classification Criteria Version 2. Collection method: clinical testing. Allele origin: germline. Affected: yes. Observed: 2 variant alleles.
Comment: ZFHX3: BP4, BP7

NM_006885.4(ZFHX3):c.5052C>T (p.Pro1684=)

Genes: ZFHX3 (zinc finger homeobox 3; minus strand), ZFHX3-AS1 (ZFHX3 antisense RNA 1; plus strand). Cytogenetic location: 16q22.2.
Variant type: single nucleotide variant.
Coding change: c.5052C>T on transcript NM_006885.4 (MANE Select); coding-DNA position 5052, C replaced by T.
Protein change: p.Pro1684=; no amino-acid change (proline 1684 retained).
Molecular consequence: synonymous variant.
Genome position (GRCh38, 1-based): chr16:72,797,630, G>A on the plus strand (C>T on the coding strand, the complement: ZFHX3 is on the minus strand). VCF-style: chr16-72797630-G-A. GRCh37 (hg19) VCF-style: chr16-72831529-G-A.
Other names: c.2310C>T, p.Pro770= (NM_001164766.2); c.5052C>T, p.Pro1684= (NM_001386735.1).
Identifiers: ClinVar variation 2646829 (VCV002646829.25), dbSNP rs377314545, ClinGen allele CA8163699.